The following is an entry in ClinVar:

NM_178452.6(DNAAF1):c.989G>A (p.Arg330Gln)

Gene: DNAAF1 (dynein axonemal assembly factor 1; plus strand). Cytogenetic location: 16q24.1.
Variant type: single nucleotide variant.
Coding change: c.989G>A on transcript NM_178452.6 (MANE Select); coding-DNA position 989, G replaced by A.
Protein change: p.Arg330Gln; replaces arginine 330 with glutamine.
Molecular consequence: missense variant.
Genome position (GRCh38, 1-based): chr16:84,165,908, G>A. VCF-style: chr16-84165908-G-A. GRCh37 (hg19) VCF-style: chr16-84199514-G-A.
Other names: c.233G>A, p.Arg78Gln (NM_001318756.1); short protein forms R330Q, R78Q.
Identifiers: ClinVar variation 945414 (VCV000945414.12), dbSNP rs751716129, ClinGen allele CA285519948.

ClinVar aggregate classification (germline): Conflicting classifications of pathogenicity. Review status: criteria provided, conflicting classifications (1 of 4 stars). 4 submissions from 4 submitters: Uncertain significance (3); Likely benign (1). Last evaluated 2024-06-16.

Conditions:
Primary ciliary dyskinesia. Also called: Ciliary dyskinesia. Identifiers: Orphanet 244, MedGen C0008780, MONDO:0016575, HP:0012265.

Allele frequency attached by ClinVar (database versions not stated): gnomAD exomes 0.00002; gnomAD 0.00004 and 0.00005; TOPMed 0.00005.

Submissions (4):

Ambry Genetics
Classification: Uncertain significance for Primary ciliary dyskinesia. Last evaluated: 2024-06-16. Review status: criteria provided, single submitter. Criteria: Ambry Variant Classification Scheme 2023. Collection method: clinical testing. Allele origin: germline.
Comment: The p.R330Q variant (also known as c.989G>A), located in coding exon 7 of the DNAAF1 gene, results from a G to A substitution at nucleotide position 989. The arginine at codon 330 is replaced by glutamine, an amino acid with highly similar properties. This amino acid position is conserved. In addition, this alteration is predicted to be tolerated by in silico analysis. Based on the available evidence, the clinical significance of this variant remains unclear.

Blueprint Genetics
Classification: Likely benign. Last evaluated: 2023-08-14. Review status: criteria provided, single submitter. Criteria: ACMG Guidelines, 2015. Collection method: clinical testing. Allele origin: germline.

Labcorp Genetics (formerly Invitae), Labcorp
Classification: Uncertain significance for Primary ciliary dyskinesia. Last evaluated: 2019-06-17. Review status: criteria provided, single submitter. Criteria: Invitae Variant Classification Sherloc (09022015). Collection method: clinical testing. Allele origin: germline.
Comment: In summary, the available evidence is currently insufficient to determine the role of this variant in disease. Therefore, it has been classified as a Variant of Uncertain Significance. Algorithms developed to predict the effect of missense changes on protein structure and function output the following: SIFT: "Tolerated"; PolyPhen-2: "Benign"; Align-GVGD: "Class C0". The glutamine amino acid residue is found in multiple mammalian species, suggesting that this missense change does not adversely affect protein function. These predictions have not been confirmed by published functional studies and their clinical significance is uncertain. This variant has not been reported in the literature in individuals with DNAAF1-related conditions. This variant is not present in population databases (ExAC no frequency). This sequence change replaces arginine with glutamine at codon 330 of the DNAAF1 protein (p.Arg330Gln). The arginine residue is moderately conserved and there is a small physicochemical difference between arginine and glutamine.

GeneDx
Classification: Uncertain significance. Last evaluated: 2019-04-19. Review status: criteria provided, single submitter. Criteria: GeneDx Variant Classification Process June 2021. Collection method: clinical testing. Allele origin: germline. Affected: yes.
Comment: Has not been previously published as pathogenic or benign to our knowledge; In silico analysis, which includes protein predictors and evolutionary conservation, supports that this variant does not alter protein structure/function